The following is an entry in ClinVar:

ClinVar aggregate classification (germline): Conflicting classifications of pathogenicity. Review status: criteria provided, conflicting classifications (1 of 4 stars). 3 submissions from 3 submitters: Uncertain significance (2); Likely benign (1). Last evaluated 2023-11-29.

Conditions:
Familial cancer of breast. Also called: hereditary breast carcinoma; Hereditary breast cancer; BREAST CANCER, FAMILIAL. Identifiers: Orphanet 227535, MedGen C0346153, MONDO:0016419, OMIM 114480. Disease mechanism: loss of function.
Hereditary cancer-predisposing syndrome. Also called: Tumor predisposition; Hereditary neoplastic syndrome; Neoplastic Syndromes, Hereditary; Hereditary Cancer Syndrome. Identifiers: Orphanet 140162, MedGen C0027672, MeSH D009386, MONDO:0015356.

Submissions (3):

Ambry Genetics
Classification: Likely benign for Hereditary cancer-predisposing syndrome. Last evaluated: 2023-11-29. Review status: criteria provided, single submitter. Criteria: Ambry Variant Classification Scheme 2023. Collection method: clinical testing. Allele origin: germline.

Baylor Genetics
Classification: Uncertain significance for Familial cancer of breast. Last evaluated: 2023-02-28. Review status: criteria provided, single submitter. Criteria: ACMG Guidelines, 2015. Collection method: clinical testing. Allele origin: unknown.

Labcorp Genetics (formerly Invitae), Labcorp
Classification: Uncertain significance for Familial cancer of breast. Last evaluated: 2021-10-18. Review status: criteria provided, single submitter. Criteria: Invitae Variant Classification Sherloc (09022015). Collection method: clinical testing. Allele origin: germline.
Comment: Algorithms developed to predict the effect of missense changes on protein structure and function output the following: SIFT: "Tolerated"; PolyPhen-2: "Benign"; Align-GVGD: "Class C0". The serine amino acid residue is found in multiple mammalian species, which suggests that this missense change does not adversely affect protein function. ClinVar contains an entry for this variant (Variation ID: 819291). This variant has not been reported in the literature in individuals affected with CHEK2-related conditions. This variant is not present in population databases (ExAC no frequency). This sequence change replaces arginine with serine at codon 493 of the CHEK2 protein (p.Arg493Ser). The arginine residue is moderately conserved and there is a moderate physicochemical difference between arginine and serine. In summary, the available evidence is currently insufficient to determine the role of this variant in disease. Therefore, it has been classified as a Variant of Uncertain Significance. Algorithms developed to predict the effect of sequence changes on RNA splicing suggest that this variant may create or strengthen a splice site.

NM_007194.4(CHEK2):c.1479A>T (p.Arg493Ser)

Gene: CHEK2 (checkpoint kinase 2; minus strand). Cytogenetic location: 22q12.1.
Variant type: single nucleotide variant.
Coding change: c.1479A>T on transcript NM_007194.4 (MANE Select); coding-DNA position 1479, A replaced by T.
Protein change: p.Arg493Ser; replaces arginine 493 with serine.
Molecular consequence: missense variant.
Genome position (GRCh38, 1-based): chr22:28,689,198, T>A on the plus strand (A>T on the coding strand, the complement: CHEK2 is on the minus strand). VCF-style: chr22-28689198-T-A. GRCh37 (hg19) VCF-style: chr22-29085186-T-A.
Other names: c.1608A>T, p.Arg536Ser (NM_001005735.3); c.816A>T, p.Arg272Ser (NM_001257387.3); c.1278A>T, p.Arg426Ser (NM_001349956.3); c.1392A>T, p.Arg464Ser (NM_145862.3); short protein forms R426S, R493S, R272S, R464S, R536S.
Identifiers: ClinVar variation 819291 (VCV000819291.13), dbSNP rs1601702414, ClinGen allele CA411092586.